The following is an entry in ClinVar:

ClinVar aggregate classification (germline): Pathogenic. Review status: reviewed by expert panel (3 of 4 stars). 6 submissions from 6 submitters: Pathogenic (1). 5 of the submissions do not count toward it. Last evaluated 2021-07-08.

Conditions:
Myocardial infarction, susceptibility to. Identifiers: MedGen C1832662, MONDO:0012039, OMIM 608446.
Glanzmann thrombasthenia 2. Also called: BLEEDING DISORDER, PLATELET-TYPE, 23. Identifiers: MedGen C5543273, MONDO:0031009, OMIM 619267.
Bleeding disorder, platelet-type, 24. Also called: GLANZMANN THROMBASTHENIA-LIKE WITH MACROTHROMBOCYTOPENIA 2. Identifiers: MedGen C5543280, MONDO:0030996, OMIM 619271.
Platelet-type bleeding disorder 16 (BDPLT16). Also called: Bleeding disorder, platelet-type, 16, autosomal dominant. Identifiers: Orphanet 140957, MedGen C5442010, MONDO:0008552, OMIM 187800.
Glanzmann thrombasthenia. Also called: THROMBASTHENIA OF GLANZMANN AND NAEGELI; BLEEDING DISORDER, PLATELET-TYPE, 2; Thrombasthenia; Glanzmann's thrombasthenia; PLATELET GLYCOPROTEIN IIb-IIIa DEFICIENCY. Identifiers: Orphanet 849, MedGen C0040015, MONDO:0100326.

Allele frequency attached by ClinVar (database versions not stated): gnomAD exomes below 0.00001; gnomAD 0.00001.
gnomAD v4.1: 2 of 1,614,048 alleles (0.00012%); highest among the groups gnomAD compares: Non-Finnish European, 0.000085%; no homozygotes.

Submissions (6):

ClinGen Platelet Disorders Variant Curation Expert Panel, ClinGen
Classification: Pathogenic for Glanzmann thrombasthenia. Last evaluated: 2021-07-08. Review status: reviewed by expert panel. Criteria: ClinGen Platelet ACMG Specifications v2. Collection method: curation. Allele origin: germline. Inheritance: Autosomal recessive inheritance.
Comment: The NM_000212.2(ITGB3):c.719G>A (p.Arg240Gln) missense variant has been reported in at least four patients (PMIDs: 1371279, 29084015, 29675921, 30138987) with a phenotype highly specific to GT. This variant is absent from all population cohorts in gnomAD, ExAC, 1000 Genomes, and ESP and is predicted to have a deleterious effect (REVEL score 0.819). The functional impact has been assessed by transfection in CHO cells, showing normal Î±IIbÎ²3 surface expression with a deficiency in binding of fibrinogen and PAC-1 in response to mAb 62 stimulation (PMID: 1371279). In summary this variant meets criteria to be classified as Pathogenic for GT. GT-specific criteria applied: PS3, PM2_Supporting, PM3, PP3, and PP4_Moderate.

Genetics and Genomic Medicine Centre, NeuroGen Healthcare, NeuroGen Healthcare
Classification: Pathogenic for Bleeding disorder, platelet-type, 24. Last evaluated: 2022-03-21. Review status: criteria provided, single submitter. Criteria: Submitter's publication. Collection method: clinical testing. Allele origin: unknown. Affected: no. Not counted in ClinVar's aggregate classification.

Revvity Omics, Revvity
Classification: Pathogenic. Last evaluated: 2022-02-23. Review status: criteria provided, single submitter. Criteria: ACMG Guidelines, 2015. Collection method: clinical testing. Allele origin: germline. Not counted in ClinVar's aggregate classification.

Juno Genomics, Hangzhou Juno Genomics, Inc
Classification: Pathogenic for Bleeding disorder, platelet-type, 24; Glanzmann thrombasthenia 2; Myocardial infarction, susceptibility to. Review status: criteria provided, single submitter. Criteria: ACMG Guidelines, 2015. Collection method: clinical testing. Allele origin: germline. Affected: yes. Not counted in ClinVar's aggregate classification.
Comment: Absent from controls (or at extremely low frequency if recessive) in Genome Aggregation Database, Exome Sequencing Project, 1000 Genomes Project, or Exome Aggregation Consortium.;Multiple lines of computational evidence support a deleterious effect on the gene or gene product (conservation, evolutionary, splicing impact, etc).;Patient's phenotype or family history is highly specific for a disease with a single genetic etiology.;For recessive disorders, detected in trans with a pathogenic variant.;Well-established in vitro or in vivo functional studies supportive of a damaging effect on the gene or gene product.

OMIM
Classification: Pathogenic for GLANZMANN THROMBASTHENIA 2. Last evaluated: 1992-02-25. Review status: no assertion criteria provided. Collection method: literature only. Allele origin: germline. Not counted in ClinVar's aggregate classification.

ISTH-SSC Genomics in Thrombosis and Hemostasis, KU Leuven, Center for Molecular and Vascular Biology
Classification: Likely pathogenic for Platelet-type bleeding disorder 16. Review status: no assertion criteria provided. Collection method: research. Allele origin: unknown. Affected: yes. Not counted in ClinVar's aggregate classification.
Comment: Submitted to GoldVariant by Dr Karyn Mégy from NIHR Bioresource - Cambridge University, UK

Literature cited by the submitters: PubMed 1371279 (cited by OMIM).

NM_000212.3(ITGB3):c.719G>A (p.Arg240Gln)

Gene: ITGB3 (integrin subunit beta 3; plus strand). Cytogenetic location: 17q21.32.
Variant type: single nucleotide variant.
Coding change: c.719G>A on transcript NM_000212.3 (MANE Select); coding-DNA position 719, G replaced by A.
Protein change: p.Arg240Gln; replaces arginine 240 with glutamine.
Molecular consequence: missense variant.
Genome position (GRCh38, 1-based): chr17:47,286,364, G>A. VCF-style: chr17-47286364-G-A. GRCh37 (hg19) VCF-style: chr17-45363730-G-A.
Other names: R214Q; c.719G>A (NM_000212.2); short protein forms R240Q.
Identifiers: ClinVar variation 13553 (VCV000013553.13), dbSNP rs121918444, ClinGen allele CA123224.
Genomic context (GRCh38, chr17:47,286,364, plus strand): 5'-TGACGCTAACTGACCAGGTGACCCGCTTCAATGAGGAAGTGAAGAAGCAGAGTGTGTCAC[G>A]GAACCGAGATGCCCCAGAGGGTGGCTTTGATGCCATCATGCAGGCTACAGTCTGTGATGT-3'
Protein context (NP_000203.2, residues 230-250): NEEVKKQSVS[Arg240Gln]NRDAPEGGFD